The following is an entry in ClinVar:

ClinVar aggregate classification (germline): Likely benign. Review status: criteria provided, multiple submitters, no conflicts (2 of 4 stars). 2 submissions from 2 submitters: Likely benign (2). Last evaluated 2025-04-01.

Allele frequency attached by ClinVar (database versions not stated): ExAC 0.00001; gnomAD 0.00001.
gnomAD v4.1: 14 of 1,614,006 alleles (0.00087%); highest among the groups gnomAD compares: South Asian, 0.0033%; no homozygotes.

Submissions (2):

CeGaT Center for Human Genetics Tuebingen
Classification: Likely benign. Last evaluated: 2025-04-01. Review status: criteria provided, single submitter. Criteria: CeGaT Center For Human Genetics Tuebingen Variant Classification Criteria Version 2. Collection method: clinical testing. Allele origin: germline. Affected: yes. Observed: 1 variant allele.
Comment: OTULIN: BP4, BP7

Labcorp Genetics (formerly Invitae), Labcorp
Classification: Likely benign. Last evaluated: 2023-03-23. Review status: criteria provided, single submitter. Criteria: Invitae Variant Classification Sherloc (09022015). Collection method: clinical testing. Allele origin: germline.

NM_138348.6(OTULIN):c.510A>G (p.Gln170=)

Gene: OTULIN (OTU deubiquitinase with linear linkage specificity; plus strand). Cytogenetic location: 5p15.2.
Variant type: single nucleotide variant.
Coding change: c.510A>G on transcript NM_138348.6 (MANE Select); coding-DNA position 510, A replaced by G.
Protein change: p.Gln170=; no amino-acid change (glutamine 170 retained).
Molecular consequence: synonymous variant.
Genome position (GRCh38, 1-based): chr5:14,687,562, A>G. VCF-style: chr5-14687562-A-G. GRCh37 (hg19) VCF-style: chr5-14687671-A-G.
Identifiers: ClinVar variation 2809811 (VCV002809811.10), dbSNP rs749626732, ClinGen allele CA3208634.